The following is an entry in ClinVar:

NM_001035.3(RYR2):c.7906G>A (p.Glu2636Lys)

Gene: RYR2 (ryanodine receptor 2; plus strand). Cytogenetic location: 1q43.
Variant type: single nucleotide variant.
Coding change: c.7906G>A on transcript NM_001035.3 (MANE Select); coding-DNA position 7906, G replaced by A.
Protein change: p.Glu2636Lys; replaces glutamic acid 2636 with lysine.
Molecular consequence: missense variant.
Genome position (GRCh38, 1-based): chr1:237,654,355, G>A. VCF-style: chr1-237654355-G-A. GRCh37 (hg19) VCF-style: chr1-237817655-G-A.
Other names: short protein forms E2636K.
Identifiers: ClinVar variation 845937 (VCV000845937.12), dbSNP rs1683044033, ClinGen allele CA345400363.

ClinVar aggregate classification (germline): Pathogenic/Likely pathogenic. Review status: criteria provided, multiple submitters, no conflicts (2 of 4 stars). 2 submissions from 2 submitters: Pathogenic (1); Likely pathogenic (1). Last evaluated 2026-03-20.

Conditions:
Cardiovascular phenotype. Identifiers: MedGen CN230736.
Catecholaminergic polymorphic ventricular tachycardia 1. Also called: RYR2-Related Catecholaminergic Polymorphic Ventricular Tachycardia; VENTRICULAR TACHYCARDIA, STRESS-INDUCED POLYMORPHIC 1; VENTRICULAR TACHYCARDIA, CATECHOLAMINERGIC POLYMORPHIC, 1, WITH OR WITHOUT ATRIAL DYSFUNCTION AND/OR DILATED CARDIOMYOPATHY. Identifiers: Orphanet 3286, MedGen C1631597, MONDO:0011484, OMIM 604772.

Submissions (2):

Ambry Genetics
Classification: Likely pathogenic for Cardiovascular phenotype. Last evaluated: 2026-03-20. Review status: criteria provided, single submitter. Criteria: Ambry Variant Classification Scheme 2023. Collection method: clinical testing. Allele origin: germline.
Comment: The p.E2636K variant (also known as c.7906G>A), located in coding exon 52 of the RYR2 gene, results from a G to A substitution at nucleotide position 7906. The glutamic acid at codon 2636 is replaced by lysine, an amino acid with similar properties. This variant was reported in individual(s) with features consistent with catecholaminergic polymorphic ventricular tachycardia or RYR2-related ventricular arrhythmia; in at least one individual, it was determined to be de novo (Kapplinger JD et al. Circ Genom Precis Med, 2018 Feb;11:e001424; external communication; Ambry internal data). This amino acid position is highly conserved in available vertebrate species. In addition, this alteration is predicted to be deleterious by in silico analysis. This variant is considered to be rare based on population cohorts in the Genome Aggregation Database (gnomAD). Based on the majority of available evidence to date, this variant is likely to be pathogenic.

Labcorp Genetics (formerly Invitae), Labcorp
Classification: Pathogenic for Catecholaminergic polymorphic ventricular tachycardia 1. Last evaluated: 2024-12-02. Review status: criteria provided, single submitter. Criteria: Invitae Variant Classification Sherloc (09022015). Collection method: clinical testing. Allele origin: germline.
Comment: This sequence change replaces glutamic acid, which is acidic and polar, with lysine, which is basic and polar, at codon 2636 of the RYR2 protein (p.Glu2636Lys). This variant is not present in population databases (gnomAD no frequency). This missense change has been observed in individual(s) with sudden cardiac death (internal data). In at least one individual the variant was observed to be de novo. ClinVar contains an entry for this variant (Variation ID: 845937). Invitae Evidence Modeling of protein sequence and biophysical properties (such as structural, functional, and spatial information, amino acid conservation, physicochemical variation, residue mobility, and thermodynamic stability) indicates that this missense variant is expected to disrupt RYR2 protein function with a positive predictive value of 95%. For these reasons, this variant has been classified as Pathogenic.

Literature cited by the submitters: PubMed 29453246 (cited by Ambry Genetics).